The following is an entry in ClinVar:

NM_032603.5(LOXL3):c.172G>A (p.Val58Met)

Genes: DOK1 (docking protein 1; plus strand), LOXL3 (lysyl oxidase like 3; minus strand). Cytogenetic location: 2p13.1.
Variant type: single nucleotide variant.
Coding change: c.172G>A on transcript NM_032603.5 (MANE Select); coding-DNA position 172, G replaced by A.
Protein change: p.Val58Met; replaces valine 58 with methionine.
Molecular consequence: missense variant. On other transcripts: intron variant (1).
Genome position (GRCh38, 1-based): chr2:74,552,463, C>T on the plus strand (G>A on the coding strand, the complement: LOXL3 is on the minus strand). VCF-style: chr2-74552463-C-T. GRCh37 (hg19) VCF-style: chr2-74779590-C-T.
Other names: c.172G>A, p.Val58Met (NM_001289164.3); c.-357-2691C>T (NM_001197260.2); short protein forms V58M.
Identifiers: ClinVar variation 1404223 (VCV001404223.8), dbSNP rs371316114, ClinGen allele CA1729245.

ClinVar aggregate classification (germline): Uncertain significance. Review status: criteria provided, multiple submitters, no conflicts (2 of 4 stars). 3 submissions from 3 submitters: Uncertain significance (3). Last evaluated 2026-03-25.

Conditions:
LOXL3-related disorder. Also called: LOXL3-related condition.

Allele frequency attached by ClinVar (database versions not stated): gnomAD 0.00002; ESP Exome Variant Server 0.00015; TOPMed 0.00002; gnomAD exomes 0.00003; ExAC 0.00004.
gnomAD v4.1: 19 of 1,613,690 alleles (0.0012%); highest among the groups gnomAD compares: Admixed American, 0.005%; no homozygotes.

Submissions (3):

PreventionGenetics, part of Exact Sciences
Classification: Uncertain significance for LOXL3-related condition. Last evaluated: 2026-03-25. Review status: criteria provided, single submitter. Criteria: ACMG Guidelines, 2015. Collection method: clinical testing. Allele origin: germline.
Comment: The LOXL3 c.172G>A variant is predicted to result in the amino acid substitution p.Val58Met. To our knowledge, this variant has not been reported in the literature. This variant is reported in 0.0058% of alleles in individuals of Latino descent in gnomAD. At this time, the clinical significance of this variant is uncertain due to the absence of conclusive functional and genetic evidence.

Ambry Genetics
Classification: Uncertain significance. Last evaluated: 2023-11-14. Review status: criteria provided, single submitter. Criteria: Ambry Variant Classification Scheme 2023. Collection method: clinical testing. Allele origin: germline.

Labcorp Genetics (formerly Invitae), Labcorp
Classification: Uncertain significance. Last evaluated: 2022-09-27. Review status: criteria provided, single submitter. Criteria: Invitae Variant Classification Sherloc (09022015). Collection method: clinical testing. Allele origin: germline.
Comment: This sequence change replaces valine, which is neutral and non-polar, with methionine, which is neutral and non-polar, at codon 58 of the LOXL3 protein (p.Val58Met). This variant is present in population databases (rs371316114, gnomAD 0.006%). This variant has not been reported in the literature in individuals affected with LOXL3-related conditions. ClinVar contains an entry for this variant (Variation ID: 1404223). Algorithms developed to predict the effect of missense changes on protein structure and function are either unavailable or do not agree on the potential impact of this missense change (SIFT: "Deleterious"; PolyPhen-2: "Probably Damaging"; Align-GVGD: "Class C0"). In summary, the available evidence is currently insufficient to determine the role of this variant in disease. Therefore, it has been classified as a Variant of Uncertain Significance.